The following is an entry in ClinVar:

ClinVar aggregate classification (germline): Uncertain significance (1 of 4 stars; one submission).

Conditions:
Autosomal dominant hypocalcemia 1 (HYPOC1). Also called: HYPOCALCEMIA, FAMILIAL. Identifiers: MedGen C3715128, MONDO:0011013, OMIM 601198.
Familial hypocalciuric hypercalcemia (FHH). Also called: Familial benign hypercalcemia. Identifiers: Orphanet 405, MedGen C1809471, MONDO:0018458.

Submission:

Labcorp Genetics (formerly Invitae), Labcorp
Classification: Uncertain significance for Familial hypocalciuric hypercalcemia; Autosomal dominant hypocalcemia 1. Last evaluated: 2023-03-28. Review status: criteria provided, single submitter. Criteria: Invitae Variant Classification Sherloc (09022015). Collection method: clinical testing. Allele origin: germline.
Comment: This sequence change replaces glutamine, which is neutral and polar, with lysine, which is basic and polar, at codon 995 of the CASR protein (p.Gln995Lys). This variant is not present in population databases (gnomAD no frequency). This variant has not been reported in the literature in individuals affected with CASR-related conditions. An algorithm developed to predict the effect of missense changes on protein structure and function (PolyPhen-2) suggests that this variant is likely to be tolerated. In summary, the available evidence is currently insufficient to determine the role of this variant in disease. Therefore, it has been classified as a Variant of Uncertain Significance.

NM_000388.4(CASR):c.2983C>A (p.Gln995Lys)

Gene: CASR (calcium sensing receptor; plus strand). Cytogenetic location: 3q21.1.
Variant type: single nucleotide variant.
Coding change: c.2983C>A on transcript NM_000388.4 (MANE Select); coding-DNA position 2983, C replaced by A.
Protein change: p.Gln995Lys; replaces glutamine 995 with lysine.
Molecular consequence: missense variant.
Genome position (GRCh38, 1-based): chr3:122,284,937, C>A. VCF-style: chr3-122284937-C-A. GRCh37 (hg19) VCF-style: chr3-122003784-C-A.
Other names: c.3013C>A, p.Gln1005Lys (NM_001178065.2); short protein forms Q1005K, Q995K.
Identifiers: ClinVar variation 2945254 (VCV002945254.3), dbSNP rs2473283094, ClinGen allele CA354161199.